The following is an entry in ClinVar:

NM_152722.5(HEPACAM):c.*50C>G

Gene: HEPACAM (hepatic and glial cell adhesion molecule; minus strand). Cytogenetic location: 11q24.2.
Variant type: single nucleotide variant.
Coding change: c.*50C>G on transcript NM_152722.5 (MANE Select); 50 bases downstream of the stop codon, C replaced by G.
Molecular consequence: 3 prime UTR variant.
Genome position (GRCh38, 1-based): chr11:124,921,088, G>C on the plus strand (C>G on the coding strand, the complement: HEPACAM is on the minus strand). VCF-style: chr11-124921088-G-C. GRCh37 (hg19) VCF-style: chr11-124790984-G-C.
Identifiers: ClinVar variation 262676 (VCV000262676.9), dbSNP rs192160991, ClinGen allele CA6345536.

ClinVar aggregate classification (germline): Benign/Likely benign. Review status: criteria provided, multiple submitters, no conflicts (2 of 4 stars). 4 submissions from 4 submitters: Benign (2); Likely benign (2). Last evaluated 2018-08-03.

Conditions:
Megalencephalic leukoencephalopathy with subcortical cysts. Also called: VAN DER KNAAP DISEASE. Identifiers: Orphanet 2478, MedGen C1858854, MONDO:0011391.

Allele frequency attached by ClinVar (database versions not stated): gnomAD 0.01463 and 0.01470; 1000 Genomes Project 30x 0.01936; ExAC 0.00501; 1000 Genomes Project 0.01597; TOPMed 0.01804; gnomAD exomes 0.02218.

Submissions (4):

GeneDx
Classification: Benign. Last evaluated: 2018-08-03. Review status: criteria provided, single submitter. Criteria: GeneDx Variant Classification Process June 2021. Collection method: clinical testing. Allele origin: germline. Affected: yes.

Illumina Laboratory Services, Illumina
Classification: Benign for Megalencephalic leukoencephalopathy with subcortical cysts. Last evaluated: 2018-01-12. Review status: criteria provided, single submitter. Criteria: ICSL Variant Classification Criteria 13 December 2019. Collection method: clinical testing. Allele origin: germline.
Comment: This variant was observed in the ICSL laboratory as part of a predisposition screen in an ostensibly healthy population. It had not been previously curated by ICSL or reported in the Human Gene Mutation Database (HGMD: prior to June 1st, 2018), and was therefore a candidate for classification through an automated scoring system. Utilizing variant allele frequency, disease prevalence and penetrance estimates, and inheritance mode, an automated score was calculated to assess if this variant is too frequent to cause the disease. Based on the score and internal cut-off values, a variant classified as benign is not then subjected to further curation. The score for this variant resulted in a classification of benign for this disease.

Breakthrough Genomics
Classification: Likely benign. Review status: criteria provided, single submitter. Criteria: ACMG Guidelines, 2015. Collection method: not provided. Allele origin: germline. Inheritance: Autosomal recessive inheritance. Affected: yes.

PreventionGenetics, part of Exact Sciences
Classification: Likely benign. Review status: criteria provided, single submitter. Criteria: ACMG Guidelines, 2015. Collection method: clinical testing. Allele origin: germline.